The following is an entry in ClinVar:

ClinVar aggregate classification (germline): Uncertain significance (0 of 4 stars; one submission).

Conditions:
BBS12-related disorder. Also called: BBS12-related condition.

Submission:

PreventionGenetics, part of Exact Sciences
Classification: Uncertain significance for BBS12-related condition. Last evaluated: 2024-05-31. Review status: no assertion criteria provided. Collection method: clinical testing. Allele origin: germline.
Comment: The BBS12 c.848T>G variant is predicted to result in the amino acid substitution p.Met283Arg. To our knowledge, this variant has not been reported in the literature or in a large population database, indicating this variant is rare. At this time, the clinical significance of this variant is uncertain due to the absence of conclusive functional and genetic evidence.

NM_152618.3(BBS12):c.848T>G (p.Met283Arg)

Gene: BBS12 (Bardet-Biedl syndrome 12; plus strand). Cytogenetic location: 4q27.
Variant type: single nucleotide variant.
Coding change: c.848T>G on transcript NM_152618.3 (MANE Select); coding-DNA position 848, T replaced by G.
Protein change: p.Met283Arg; replaces methionine 283 with arginine.
Molecular consequence: missense variant.
Genome position (GRCh38, 1-based): chr4:122,742,740, T>G. VCF-style: chr4-122742740-T-G. GRCh37 (hg19) VCF-style: chr4-123663895-T-G.
Other names: c.848T>G, p.Met283Arg (NM_001178007.2); short protein forms M283R.
Identifiers: ClinVar variation 3356141 (VCV003356141.1).